The following is an entry in ClinVar:

NM_144631.6(ZNF513):c.446T>C (p.Leu149Pro)

Gene: ZNF513 (zinc finger protein 513; minus strand). Cytogenetic location: 2p23.3.
Variant type: single nucleotide variant.
Coding change: c.446T>C on transcript NM_144631.6 (MANE Select); coding-DNA position 446, T replaced by C.
Protein change: p.Leu149Pro; replaces leucine 149 with proline.
Molecular consequence: missense variant.
Genome position (GRCh38, 1-based): chr2:27,378,820, A>G on the plus strand (T>C on the coding strand, the complement: ZNF513 is on the minus strand). VCF-style: chr2-27378820-A-G. GRCh37 (hg19) VCF-style: chr2-27601687-A-G.
Other names: c.260T>C, p.Leu87Pro (NM_001201459.2); c.446T>C (NM_144631.5); short protein forms L149P, L87P.
Identifiers: ClinVar variation 1933524 (VCV001933524.6), dbSNP rs764784188, ClinGen allele CA1578053.

ClinVar aggregate classification (germline): Uncertain significance. Review status: criteria provided, multiple submitters, no conflicts (2 of 4 stars). 2 submissions from 2 submitters: Uncertain significance (2). Last evaluated 2025-05-05.

Allele frequency attached by ClinVar (database versions not stated): ExAC 0.00001; gnomAD exomes 0.00001.
gnomAD v4.1: 12 of 1,612,682 alleles (0.00074%); highest among the groups gnomAD compares: East Asian, 0.0022%; no homozygotes.

Submissions (2):

Ambry Genetics
Classification: Uncertain significance. Last evaluated: 2025-05-05. Review status: criteria provided, single submitter. Criteria: Ambry Variant Classification Scheme 2023. Collection method: clinical testing. Allele origin: germline.

Labcorp Genetics (formerly Invitae), Labcorp
Classification: Uncertain significance. Last evaluated: 2024-09-10. Review status: criteria provided, single submitter. Criteria: Invitae Variant Classification Sherloc (09022015). Collection method: clinical testing. Allele origin: germline.
Comment: This sequence change replaces leucine, which is neutral and non-polar, with proline, which is neutral and non-polar, at codon 149 of the ZNF513 protein (p.Leu149Pro). This variant is present in population databases (rs764784188, gnomAD 0.003%). This variant has not been reported in the literature in individuals affected with ZNF513-related conditions. ClinVar contains an entry for this variant (Variation ID: 1933524). An algorithm developed to predict the effect of missense changes on protein structure and function (PolyPhen-2) suggests that this variant is likely to be disruptive. In summary, the available evidence is currently insufficient to determine the role of this variant in disease. Therefore, it has been classified as a Variant of Uncertain Significance.